The following is an entry in ClinVar:

ClinVar aggregate classification (germline): Uncertain significance (1 of 4 stars; one submission).

Submission:

Labcorp Genetics (formerly Invitae), Labcorp
Classification: Uncertain significance. Last evaluated: 2021-10-27. Review status: criteria provided, single submitter. Criteria: Invitae Variant Classification Sherloc (09022015). Collection method: clinical testing. Allele origin: germline.
Comment: In summary, the available evidence is currently insufficient to determine the role of this variant in disease. Therefore, it has been classified as a Variant of Uncertain Significance. Algorithms developed to predict the effect of missense changes on protein structure and function are either unavailable or do not agree on the potential impact of this missense change (SIFT: "Deleterious"; PolyPhen-2: "Benign"; Align-GVGD: "Class C65"). This variant has not been reported in the literature in individuals affected with DSG1-related conditions. This variant is not present in population databases (gnomAD no frequency). This sequence change replaces glycine, a(n) neutral and non-polar amino acid, with glutamic acid, a(n) acidic and polar amino acid, at codon 687 of the DSG1 protein (p.Gly687Glu).

NM_001942.4(DSG1):c.2060G>A (p.Gly687Glu)

Genes: DSG1 (desmoglein 1; plus strand), DSG1-AS1 (DSG1 antisense RNA 1; minus strand). Cytogenetic location: 18q12.1.
Variant type: single nucleotide variant.
Coding change: c.2060G>A on transcript NM_001942.4 (MANE Select); coding-DNA position 2060, G replaced by A.
Protein change: p.Gly687Glu; replaces glycine 687 with glutamic acid.
Molecular consequence: missense variant.
Genome position (GRCh38, 1-based): chr18:31,346,158, G>A. VCF-style: chr18-31346158-G-A. GRCh37 (hg19) VCF-style: chr18-28926121-G-A.
Other names: short protein forms G687E.
Identifiers: ClinVar variation 1471201 (VCV001471201.6), dbSNP rs2144111433, ClinGen allele CA402118962.
Genomic context (GRCh38, chr18:31,346,158, plus strand): 5'-AGATATGTCAAGAATACTCTGGAACATTAAGAAGAAATTCTATGAGGGAATGTAGAGAAG[G>A]AGGTCTGAATATGAATTTCATGGAAAGCTACTTCTGTCAGGTAAGGTCCCTAGCCACATG-3'
Protein context (NP_001933.2, residues 677-697): RRNSMRECRE[Gly687Glu]GLNMNFMESY